The following is an entry in ClinVar:

ClinVar aggregate classification (germline): Uncertain significance. Review status: criteria provided, multiple submitters, no conflicts (2 of 4 stars). 3 submissions from 3 submitters: Uncertain significance (3). Last evaluated 2025-08-14.

Conditions:
Inborn genetic diseases. Identifiers: MedGen C0950123, MeSH D030342.
Pitt-Hopkins-like syndrome 2 (PTHSL2). Identifiers: Orphanet 221150, Orphanet 600663, MedGen C3280479, MONDO:0013690, OMIM 614325.

Allele frequency attached by ClinVar (database versions not stated): gnomAD exomes 0.00002 and 0.00005; ExAC 0.00003; TOPMed 0.00003; gnomAD 0.00005 and 0.00006; ESP Exome Variant Server 0.00008.
gnomAD v4.1: 89 of 1,613,208 alleles (0.0055%); highest among the groups gnomAD compares: Non-Finnish European, 0.0068%; no homozygotes.

Submissions (3):

Ambry Genetics
Classification: Uncertain significance for Inborn genetic diseases. Last evaluated: 2025-08-14. Review status: criteria provided, single submitter. Criteria: Ambry Variant Classification Scheme 2023. Collection method: clinical testing. Allele origin: germline.

Labcorp Genetics (formerly Invitae), Labcorp
Classification: Uncertain significance for Pitt-Hopkins-like syndrome 2. Last evaluated: 2022-11-10. Review status: criteria provided, single submitter. Criteria: Invitae Variant Classification Sherloc (09022015). Collection method: clinical testing. Allele origin: germline.
Comment: Algorithms developed to predict the effect of missense changes on protein structure and function are either unavailable or do not agree on the potential impact of this missense change (SIFT: "Tolerated"; PolyPhen-2: "Possibly Damaging"; Align-GVGD: "Class C0"). In summary, the available evidence is currently insufficient to determine the role of this variant in disease. Therefore, it has been classified as a Variant of Uncertain Significance. ClinVar contains an entry for this variant (Variation ID: 206278). This variant has not been reported in the literature in individuals affected with NRXN1-related conditions. This variant is present in population databases (rs202145311, gnomAD 0.003%). This sequence change replaces glutamic acid, which is acidic and polar, with lysine, which is basic and polar, at codon 848 of the NRXN1 protein (p.Glu848Lys).

GeneDx
Classification: Uncertain significance. Last evaluated: 2019-04-16. Review status: criteria provided, single submitter. Criteria: GeneDx Variant Classification Process June 2021. Collection method: clinical testing. Allele origin: germline. Affected: yes.
Comment: Not observed at a significant frequency in large population cohorts (Lek et al., 2016); In silico analysis, which includes protein predictors and evolutionary conservation, supports a deleterious effect; Missense variant in a gene in which most reported pathogenic variants are truncating/loss-of-function; Has not been previously published as pathogenic or benign to our knowledge

NM_001330078.2(NRXN1):c.2422G>A (p.Glu808Lys)

Gene: NRXN1 (neurexin 1; minus strand). Cytogenetic location: 2p16.3.
Variant type: single nucleotide variant.
Coding change: c.2422G>A on transcript NM_001330078.2 (MANE Select); coding-DNA position 2422, G replaced by A.
Protein change: p.Glu808Lys; replaces glutamic acid 808 with lysine.
Molecular consequence: missense variant.
Genome position (GRCh38, 1-based): chr2:50,506,570, C>T on the plus strand (G>A on the coding strand, the complement: NRXN1 is on the minus strand). VCF-style: chr2-50506570-C-T. GRCh37 (hg19) VCF-style: chr2-50733708-C-T.
Other names: p.E848K:GAG>AAG; c.2398G>A, p.Glu800Lys (NM_001330077.2, NM_001330082.2); c.2356G>A, p.Glu786Lys (NM_001330083.2, NM_001330084.2); c.2395G>A, p.Glu799Lys (NM_001330085.2); c.2422G>A, p.Glu808Lys (NM_001330086.2, NM_004801.6); c.2311G>A, p.Glu771Lys (NM_001330087.2, NM_001330096.2); c.2341G>A, p.Glu781Lys (NM_001330088.2); c.2419G>A, p.Glu807Lys (NM_001330093.2); and 3 more; short protein forms E848K, E791K, E800K, E771K, E786K, E799K, E807K, E808K.
Identifiers: ClinVar variation 206278 (VCV000206278.12), dbSNP rs202145311, ClinGen allele CA316202.
Genomic context (GRCh38, chr2:50,506,570, plus strand): 5'-GGTCATCCACTGTTAACTTTAAACTTTTTCCACGCCGAACTACACGCACTGTGTGCCACT[C>T]GTTATCATTGAGGTTATAGCCAGCAAAAAGAGTCTCGGGACCTTTGCCTGTAGAATATGC-3'
Protein context (NP_001317007.1, residues 798-818): LFAGYNLNDN[Glu808Lys]WHTVRVVRRG